The following is an entry in ClinVar:

ClinVar aggregate classification (germline): Uncertain significance (1 of 4 stars; one submission).

Submission:

Ambry Genetics
Classification: Uncertain significance. Last evaluated: 2026-06-17. Review status: criteria provided, single submitter. Criteria: Ambry Variant Classification Scheme 2023. Collection method: clinical testing. Allele origin: germline.
Comment: The c.193G>C (p.V65L) alteration is located in exon 1 (coding exon 1) of the GPR101 gene. This alteration results from a G to C substitution at nucleotide position 193, causing the valine (V) at amino acid position 65 to be replaced by a leucine (L). Based on data from gnomAD, the C allele has an overall frequency of 0.001% (1/168858) total alleles studied. The highest observed frequency was 0.001% (1/76572) of European (non-Finnish) alleles. Based on insufficient or conflicting evidence, the clinical significance of this alteration remains unclear.

NM_054021.2(GPR101):c.193G>C (p.Val65Leu)

Gene: GPR101 (G protein-coupled receptor 101; minus strand). Cytogenetic location: Xq26.3.
Variant type: single nucleotide variant.
Coding change: c.193G>C on transcript NM_054021.2 (MANE Select); coding-DNA position 193, G replaced by C.
Protein change: p.Val65Leu; replaces valine 65 with leucine.
Molecular consequence: missense variant.
Genome position (GRCh38, 1-based): chrX:137,031,482, C>G on the plus strand (G>C on the coding strand, the complement: GPR101 is on the minus strand). VCF-style: chrX-137031482-C-G. GRCh37 (hg19) VCF-style: chrX-136113641-C-G.
Other names: short protein forms V65L.
Identifiers: ClinVar variation 5022499 (VCV005022499.1).
Genomic context (GRCh38, chrX:137,031,482, plus strand): 5'-CCACGAGCGAAATCTGCAGCAGGTCGGTGACGAGGAGGTTAAAGATAAAACGGTTGGTCA[C>G]CTGCAGCAGCTGCGGCTTGCGCTGCAACACTAGCGCCAGCACTATGTTGCCGACGAAAGA-3'
Protein context (NP_473362.1, residues 55-75): VLQRKPQLLQ[Val65Leu]TNRFIFNLLV